The following is an entry in ClinVar:

ClinVar aggregate classification (germline): Uncertain significance (1 of 4 stars; one submission).

Submission:

Ambry Genetics
Classification: Uncertain significance. Last evaluated: 2023-10-27. Review status: criteria provided, single submitter. Criteria: Ambry Variant Classification Scheme 2023. Collection method: clinical testing. Allele origin: germline.
Comment: The p.E1746K variant (also known as c.5236G>A), located in coding exon 4 of the ALPK2 gene, results from a G to A substitution at nucleotide position 5236. The glutamic acid at codon 1746 is replaced by lysine, an amino acid with similar properties. This amino acid position is conserved. In addition, this alteration is predicted to be tolerated by in silico analysis. Since supporting evidence is limited at this time, the clinical significance of this alteration remains unclear.

NM_052947.4(ALPK2):c.5236G>A (p.Glu1746Lys)

Genes: ALPK2 (alpha kinase 2; minus strand), LOC130062577 (ATAC-STARR-seq lymphoblastoid active region 13389; plus strand). Cytogenetic location: 18q21.31.
Variant type: single nucleotide variant.
Coding change: c.5236G>A on transcript NM_052947.4 (MANE Select); coding-DNA position 5236, G replaced by A.
Protein change: p.Glu1746Lys; replaces glutamic acid 1746 with lysine.
Molecular consequence: missense variant.
Genome position (GRCh38, 1-based): chr18:58,534,951, C>T on the plus strand (G>A on the coding strand, the complement: ALPK2 is on the minus strand). VCF-style: chr18-58534951-C-T. GRCh37 (hg19) VCF-style: chr18-56202183-C-T.
Other names: short protein forms E1746K.
Identifiers: ClinVar variation 1746258 (VCV001746258.2), dbSNP rs2518873256, ClinGen allele CA402557434.